The following is an entry in ClinVar:

ClinVar aggregate classification (germline): Uncertain significance (1 of 4 stars; one submission).

Conditions:
Arrhythmogenic cardiomyopathy with wooly hair and keratoderma. Also called: Arrhythmogenic cardiomyopathy with woolly hair and keratoderma; PALMOPLANTAR KERATODERMA WITH LEFT VENTRICULAR CARDIOMYOPATHY AND WOOLLY HAIR; Carvajal syndrome; Dilated cardiomyopathy with woolly hair and keratoderma. Identifiers: Orphanet 65282, MedGen C1854063, MONDO:0011581, OMIM 605676.
Arrhythmogenic right ventricular dysplasia 8 (ARVD8). Also called: Arrhythmogenic Right Ventricular Dysplasia/Cardiomyopathy 8; ARRHYTHMOGENIC RIGHT VENTRICULAR DYSPLASIA, FAMILIAL, 8; ARRHYTHMOGENIC RIGHT VENTRICULAR CARDIOMYOPATHY 8. Identifiers: MedGen C1843896, MONDO:0011831, OMIM 607450.

gnomAD v4.1: 1 of 1,614,162 alleles (0.000062%); highest among the groups gnomAD compares: Non-Finnish European, 0.000085%; no homozygotes.

Submission:

Labcorp Genetics (formerly Invitae), Labcorp
Classification: Uncertain significance for Arrhythmogenic cardiomyopathy with wooly hair and keratoderma; Arrhythmogenic right ventricular dysplasia 8. Last evaluated: 2023-07-16. Review status: criteria provided, single submitter. Criteria: Invitae Variant Classification Sherloc (09022015). Collection method: clinical testing. Allele origin: germline.
Comment: In summary, the available evidence is currently insufficient to determine the role of this variant in disease. Therefore, it has been classified as a Variant of Uncertain Significance. An algorithm developed to predict the effect of missense changes on protein structure and function (PolyPhen-2) suggests that this variant is likely to be disruptive. This variant has not been reported in the literature in individuals affected with DSP-related conditions. This variant is not present in population databases (gnomAD no frequency). This sequence change replaces serine, which is neutral and polar, with threonine, which is neutral and polar, at codon 2207 of the DSP protein (p.Ser2207Thr).

NM_004415.4(DSP):c.6620G>C (p.Ser2207Thr)

Gene: DSP (desmoplakin; plus strand). Cytogenetic location: 6p24.3.
Variant type: single nucleotide variant.
Coding change: c.6620G>C on transcript NM_004415.4 (MANE Select); coding-DNA position 6620, G replaced by C.
Protein change: p.Ser2207Thr; replaces serine 2207 with threonine.
Molecular consequence: missense variant.
Genome position (GRCh38, 1-based): chr6:7,583,882, G>C. VCF-style: chr6-7583882-G-C. GRCh37 (hg19) VCF-style: chr6-7584115-G-C.
Other names: c.4823G>C, p.Ser1608Thr (NM_001008844.3); c.5291G>C, p.Ser1764Thr (NM_001319034.2); short protein forms S1764T, S1608T, S2207T.
Identifiers: ClinVar variation 2941985 (VCV002941985.3), dbSNP rs2533942236, ClinGen allele CA362691181.
Genomic context (GRCh38, chr6:7,583,882, plus strand): 5'-AGGAACGGTGCAGAATCGAACCACATACTGGTCTGCTCTTGCTTTCAGTACAGAAGAGAA[G>C]CATGTCCTTCCAAGGAATCAGACAACCTGTGACCGTCACTGAGCTAGTAGATTCTGGTAT-3'
Protein context (NP_004406.2, residues 2197-2217): GLLLLSVQKR[Ser2207Thr]MSFQGIRQPV